The following is an entry in ClinVar:

ClinVar aggregate classification (germline): Uncertain significance (1 of 4 stars; one submission).

Conditions:
CELF4-related disorder. Also called: CELF4-related condition.

Submission:

PreventionGenetics, part of Exact Sciences
Classification: Uncertain significance for CELF4-related condition. Last evaluated: 2026-07-20. Review status: criteria provided, single submitter. Criteria: ACMG Guidelines, 2015. Collection method: clinical testing. Allele origin: germline.
Comment: The CELF4 c.1076C>T variant is predicted to result in the amino acid substitution p.Ala359Val. To our knowledge, this variant has not been reported in the literature or in a large population database (gnomAD), indicating this variant is rare. At this time, the clinical significance of this variant is uncertain due to the absence of conclusive functional and genetic evidence.

NM_020180.4(CELF4):c.1076C>T (p.Ala359Val)

Gene: CELF4 (CUGBP Elav-like family member 4; minus strand). Cytogenetic location: 18q12.2.
Variant type: single nucleotide variant.
Coding change: c.1076C>T on transcript NM_020180.4 (MANE Select); coding-DNA position 1076, C replaced by T.
Protein change: p.Ala359Val; replaces alanine 359 with valine.
Molecular consequence: missense variant. On other transcripts: non-coding transcript variant (11).
Genome position (GRCh38, 1-based): chr18:37,270,791, G>A on the plus strand (C>T on the coding strand, the complement: CELF4 is on the minus strand). VCF-style: chr18-37270791-G-A. GRCh37 (hg19) VCF-style: chr18-34850754-G-A.
Other names: c.1073C>T, p.Ala358Val (NM_001025087.2, NM_001330603.2, NM_001353696.2 and 12 more transcripts); c.1070C>T, p.Ala357Val (NM_001025088.2, NM_001353702.2, NM_001353712.2 and 2 more transcripts); c.1046C>T, p.Ala349Val (NM_001025089.2, NM_001353700.2, NM_001353703.2 and 6 more transcripts); c.1043C>T, p.Ala348Val (NM_001353695.2, NM_001353697.2, NM_001353699.2 and 14 more transcripts); c.1040C>T, p.Ala347Val (NM_001353705.2, NM_001353706.2, NM_001353711.2 and 5 more transcripts); c.1076C>T, p.Ala359Val (NM_001353708.2, NM_001353724.2, NM_001353731.2 and 6 more transcripts); c.704C>T, p.Ala235Val (NM_001353756.2, NM_001353761.2); c.677C>T, p.Ala226Val (NM_001353757.2, NM_001353760.2); and 1 more; short protein forms A347V, A359V, A225V, A235V, A357V, A226V, A348V, A349V.
Identifiers: ClinVar variation 4992769 (VCV004992769.1).